The following is an entry in ClinVar:

NM_001244926.2(PRPF4):c.1555A>C (p.Met519Leu)

Gene: PRPF4 (pre-mRNA splicing tri-snRNP complex factor PRPF4; plus strand). Cytogenetic location: 9q32.
Variant type: single nucleotide variant.
Coding change: c.1555A>C on transcript NM_001244926.2 (MANE Select); coding-DNA position 1555, A replaced by C.
Protein change: p.Met519Leu; replaces methionine 519 with leucine.
Molecular consequence: missense variant. On other transcripts: non-coding transcript variant (2).
Genome position (GRCh38, 1-based): chr9:113,291,649, A>C. VCF-style: chr9-113291649-A-C. GRCh37 (hg19) VCF-style: chr9-116053929-A-C.
Other names: c.829A>C, p.Met277Leu (NM_001322266.2, NM_001322267.2); c.1558A>C, p.Met520Leu (NM_004697.5); short protein forms M277L, M520L, M519L.
Identifiers: ClinVar variation 4991301 (VCV004991301.1).

ClinVar aggregate classification (germline): Uncertain significance (1 of 4 stars; one submission).

Conditions:
PRPF4-related disorder. Also called: PRPF4-related condition.

gnomAD v4.1: 3 of 1,614,100 alleles (0.00019%); highest among the groups gnomAD compares: Non-Finnish European, 0.00025%; no homozygotes.

Submission:

PreventionGenetics, part of Exact Sciences
Classification: Uncertain significance for PRPF4-related condition. Last evaluated: 2026-09-25. Review status: criteria provided, single submitter. Criteria: ACMG Guidelines, 2015. Collection method: clinical testing. Allele origin: germline.
Comment: The PRPF4 c.1558A>C variant is predicted to result in the amino acid substitution p.Met520Leu. To our knowledge, this variant has not been reported in the literature. This variant is reported in 0.00088% of alleles in individuals of European (Non-Finnish) descent in gnomAD. At this time, the clinical significance of this variant is uncertain due to the absence of conclusive functional and genetic evidence.